The following is an entry in ClinVar:

ClinVar aggregate classification (germline): Pathogenic. Review status: reviewed by expert panel (3 of 4 stars). 6 submissions from 6 submitters: Pathogenic (1). 5 of the submissions do not count toward it. Last evaluated 2016-09-08.

Conditions:
Hereditary cancer-predisposing syndrome. Also called: Neoplastic Syndromes, Hereditary; Hereditary Cancer Syndrome; Hereditary neoplastic syndrome; Tumor predisposition. Identifiers: Orphanet 140162, MedGen C0027672, MeSH D009386, MONDO:0015356.
Hereditary breast ovarian cancer syndrome. Also called: Hereditary breast and ovarian cancer syndrome; Hereditary breast and/or ovarian cancer syndrome; BRCA1- and BRCA2-Associated Hereditary Breast and Ovarian Cancer; Hereditary breast and ovarian cancer; Breast and ovarian cancer; Hereditary breast and ovarian cancer syndrome (HBOC). Identifiers: Orphanet 145, MedGen C0677776, MeSH D061325, MONDO:0003582. Disease mechanism: loss of function.
Breast-ovarian cancer, familial, susceptibility to, 2 (BROVCA2). Also called: BRCA2 Hereditary Breast and Ovarian Cancer. Identifiers: Orphanet 145, MedGen C2675520, MONDO:0012933, OMIM 612555. Disease mechanism: loss of function.

Allele frequency attached by ClinVar (database versions not stated): gnomAD exomes below 0.00001.
gnomAD v4.1: 1 of 1,587,510 alleles (0.000063%); highest among the groups gnomAD compares: South Asian, 0.0012%; no homozygotes.

Submissions (6):

Evidence-based Network for the Interpretation of Germline Mutant Alleles (ENIGMA)
Classification: Pathogenic for Breast-ovarian cancer, familial, susceptibility to, 2. Last evaluated: 2016-09-08. Review status: reviewed by expert panel. Criteria: ENIGMA BRCA1/2 Classification Criteria (2015). Collection method: curation. Allele origin: germline.
Comment: Variant allele predicted to encode a truncated non-functional protein.

Women's Health and Genetics/Laboratory Corporation of America, LabCorp
Classification: Pathogenic for Hereditary breast ovarian cancer syndrome. Last evaluated: 2022-07-29. Review status: criteria provided, single submitter. Criteria: LabCorp Variant Classification Summary - May 2015. Collection method: clinical testing. Allele origin: germline. Not counted in ClinVar's aggregate classification.
Comment: Variant summary: BRCA2 c.3296C>A (p.Ser1099X) results in a premature termination codon, predicted to cause a truncation of the encoded protein or absence of the protein due to nonsense mediated decay, which are commonly known mechanisms for disease. Truncations downstream of this position have been classified as pathogenic by our laboratory. The variant was absent in 229706 control chromosomes. c.3296C>A has been reported in the literature in individuals affected with Hereditary Breast And Ovarian Cancer Syndrome (example: Rebbeck_2018). These data indicate that the variant is likely to be associated with disease. Four clinical diagnostic laboratories have submitted clinical-significance assessments for this variant to ClinVar after 2014 without evidence for independent evaluation. All laboratories classified the variant as pathogenic. Based on the evidence outlined above, the variant was classified as pathogenic.

Labcorp Genetics (formerly Invitae), Labcorp
Classification: Pathogenic for Hereditary breast ovarian cancer syndrome. Last evaluated: 2022-02-19. Review status: criteria provided, single submitter. Criteria: Invitae Variant Classification Sherloc (09022015). Collection method: clinical testing. Allele origin: germline. Not counted in ClinVar's aggregate classification.
Comment: For these reasons, this variant has been classified as Pathogenic. This sequence change creates a premature translational stop signal (p.Ser1099*) in the BRCA2 gene. It is expected to result in an absent or disrupted protein product. Loss-of-function variants in BRCA2 are known to be pathogenic (PMID: 20104584). This variant is not present in population databases (gnomAD no frequency). This premature translational stop signal has been observed in individual(s) with breast cancer (PMID: 11793480). ClinVar contains an entry for this variant (Variation ID: 142309).

Ambry Genetics
Classification: Pathogenic for Hereditary cancer-predisposing syndrome. Last evaluated: 2021-07-09. Review status: criteria provided, single submitter. Criteria: Ambry Variant Classification Scheme 2023. Collection method: clinical testing. Allele origin: germline. Not counted in ClinVar's aggregate classification.
Comment: The p.S1099* pathogenic mutation (also known as c.3296C>A), located in coding exon 10 of the BRCA2 gene, results from a C to A substitution at nucleotide position 3296. This changes the amino acid from a serine to a stop codon within coding exon 10. This alteration was identified in 1 of 53 individuals diagnosed with breast cancer who had early-onset disease or a family history of breast and/or ovarian cancer (Tereschenko I et al. Hum Mutat. 2002 Feb;19(2):184). This alteration was also identified in a large, worldwide study of BRCA1/2 mutation positive families (Rebbeck TR et al. Hum Mutat, 2018 05;39:593-620). In addition to the clinical data presented in the literature, this alteration is expected to result in loss of function by premature protein truncation or nonsense-mediated mRNA decay. As such, this alteration is interpreted as a disease-causing mutation.

GeneDx
Classification: Pathogenic. Last evaluated: 2020-07-21. Review status: criteria provided, single submitter. Criteria: GeneDx Variant Classification Process June 2021. Collection method: clinical testing. Allele origin: germline. Affected: yes. Not counted in ClinVar's aggregate classification.
Comment: Nonsense variant predicted to result in protein truncation or nonsense mediated decay in a gene for which loss-of-function is a known mechanism of disease; Not observed in large population cohorts (Lek 2016); Truncating variants in this gene are considered pathogenic by a well-established clinical consortium and/or database; Observed in individuals with a personal or family history consistent with pathogenic variants in this gene (Tereschenko 2002); Also known as 3524C>A; This variant is associated with the following publications: (PMID: 11793480, 29446198, 28152038)

Consortium of Investigators of Modifiers of BRCA1/2 (CIMBA), c/o University of Cambridge
Classification: Pathogenic for Breast-ovarian cancer, familial, susceptibility to, 2. Last evaluated: 2015-10-02. Review status: criteria provided, single submitter. Criteria: CIMBA Mutation Classification guidelines May 2016. Collection method: clinical testing. Allele origin: germline. Not counted in ClinVar's aggregate classification.

Literature cited by the submitters: PubMed 29446198 (cited by Women's Health and Genetics/Laboratory Corporation of America, LabCorp and Ambry Genetics); PubMed 20104584 (cited by Labcorp Genetics (formerly Invitae), Labcorp); PubMed 11793480 (cited by Labcorp Genetics (formerly Invitae), Labcorp).

NM_000059.4(BRCA2):c.3296C>A (p.Ser1099Ter)

Gene: BRCA2 (BRCA2 DNA repair associated; plus strand). Cytogenetic location: 13q13.1.
Variant type: single nucleotide variant.
Coding change: c.3296C>A on transcript NM_000059.4 (MANE Select); coding-DNA position 3296, C replaced by A.
Protein change: p.Ser1099Ter; replaces serine 1099 with a stop codon.
Molecular consequence: nonsense.
Genome position (GRCh38, 1-based): chr13:32,337,651, C>A. VCF-style: chr13-32337651-C-A. GRCh37 (hg19) VCF-style: chr13-32911788-C-A.
Other names: short protein forms S1099*.
Identifiers: ClinVar variation 142309 (VCV000142309.18), dbSNP rs397507663, ClinGen allele CA017728.